The following is an entry in ClinVar:

NM_000204.5(CFI):c.153G>T (p.Trp51Cys)

Gene: CFI (complement factor I; minus strand). Cytogenetic location: 4q25.
Variant type: single nucleotide variant.
Coding change: c.153G>T on transcript NM_000204.5 (MANE Select); coding-DNA position 153, G replaced by T.
Protein change: p.Trp51Cys; replaces tryptophan 51 with cysteine.
Molecular consequence: missense variant. On other transcripts: non-coding transcript variant (3), intron variant (1).
Genome position (GRCh38, 1-based): chr4:109,766,729, C>A on the plus strand (G>T on the coding strand, the complement: CFI is on the minus strand). VCF-style: chr4-109766729-C-A. GRCh37 (hg19) VCF-style: chr4-110687885-C-A.
Other names: c.153G>T, p.Trp51Cys (NM_001318057.2, NM_001331035.2, NM_001375278.1 and 5 more transcripts); c.-127-5037G>T (NM_001375284.1); short protein forms W51C.
Identifiers: ClinVar variation 3720589 (VCV003720589.3).
Genomic context (GRCh38, chr4:109,766,729, plus strand): 5'-GCCATTCTTTGGGCACTGATACGGTAGTTTACAAACACAGGTGCCCTCAATGCATCTCTG[C>A]CATGGCTGGCAGAAGACTTTATCGCAGGAGAGGTGAGTATATTTTTTTGCTAAGCACTTT-3'
Protein context (NP_000195.3, residues 41-61): LSCDKVFCQP[Trp51Cys]QRCIEGTCVC

ClinVar aggregate classification (germline): Uncertain significance. Review status: criteria provided, multiple submitters, no conflicts (2 of 4 stars). 2 submissions from 2 submitters: Uncertain significance (2). Last evaluated 2025-09-26.

Conditions:
Atypical hemolytic-uremic syndrome. Identifiers: Orphanet 2134, MedGen C2931788, MONDO:0016244.

gnomAD v4.1: 1 of 1,614,052 alleles (0.000062%); highest among the groups gnomAD compares: African/African-American, 0.0013%; no homozygotes.

Submissions (2):

Genomenon, Inc
Classification: Uncertain significance for Atypical hemolytic-uremic syndrome. Last evaluated: 2025-09-26. Review status: criteria provided, single submitter. Criteria: Genomenon Sequence Variant Interpretation Standards - Updated. Collection method: curation. Allele origin: germline. Affected: yes.
Comment: CFI p.Trp51Cys (c.153G>T) is a missense variant that changes the amino acid at residue 51 from Tryptophan to Cysteine. This variant has been observed in at least one proband affected with atypical hemolytic-uremic syndrome (PMID:39238643). It is absent or not present at a significant frequency in gnomAD. The presence of pathogenic/likely pathogenic missense variant(s) at the same amino acid position indicates that this residue is likely important for protein function. In conclusion, we classify CFI p.Trp51Cys (c.153G>T) as a variant of unknown significance.

Labcorp Genetics (formerly Invitae), Labcorp
Classification: Uncertain significance. Last evaluated: 2024-10-07. Review status: criteria provided, single submitter. Criteria: Invitae Variant Classification Sherloc (09022015). Collection method: clinical testing. Allele origin: germline.
Comment: This sequence change replaces tryptophan, which is neutral and slightly polar, with cysteine, which is neutral and slightly polar, at codon 51 of the CFI protein (p.Trp51Cys). This variant is not present in population databases (gnomAD no frequency). This missense change has been observed in individual(s) with CFI-related conditions (PMID: 26283675, 35619721). Invitae Evidence Modeling of protein sequence and biophysical properties (such as structural, functional, and spatial information, amino acid conservation, physicochemical variation, residue mobility, and thermodynamic stability) indicates that this missense variant is expected to disrupt CFI protein function with a positive predictive value of 80%. In summary, the available evidence is currently insufficient to determine the role of this variant in disease. Therefore, it has been classified as a Variant of Uncertain Significance.

Literature cited by the submitters: PubMed 39238643 (cited by Genomenon, Inc); PubMed 26283675 (cited by Labcorp Genetics (formerly Invitae), Labcorp); PubMed 35619721 (cited by Labcorp Genetics (formerly Invitae), Labcorp).